The following is an entry in ClinVar:

ClinVar aggregate classification (germline): Uncertain significance (1 of 4 stars; one submission).

Conditions:
POLD1-related polyposis and colorectal cancer syndrome (CRCS10). Also called: Colorectal cancer, susceptibility to, 10; Colorectal cancer 10; COLORECTAL CANCER, SUSCEPTIBILITY TO, ON CHROMOSOME 19q. Identifiers: Orphanet 220460, MedGen C2675481, MONDO:0012953, OMIM 612591.

Submission:

Labcorp Genetics (formerly Invitae), Labcorp
Classification: Uncertain significance for POLD1-related polyposis and colorectal cancer syndrome. Last evaluated: 2021-06-21. Review status: criteria provided, single submitter. Criteria: Invitae Variant Classification Sherloc (09022015). Collection method: clinical testing. Allele origin: germline.
Comment: This sequence change replaces leucine with valine at codon 918 of the POLD1 protein (p.Leu918Val). The leucine residue is moderately conserved and there is a small physicochemical difference between leucine and valine. This variant is not present in population databases (ExAC no frequency). This variant has not been reported in the literature in individuals with POLD1-related conditions. Algorithms developed to predict the effect of missense changes on protein structure and function are either unavailable or do not agree on the potential impact of this missense change (SIFT: "Tolerated"; PolyPhen-2: "Possibly Damaging"; Align-GVGD: "Class C0"). In summary, the available evidence is currently insufficient to determine the role of this variant in disease. Therefore, it has been classified as a Variant of Uncertain Significance.

NM_002691.4(POLD1):c.2752C>G (p.Leu918Val)

Gene: POLD1 (DNA polymerase delta 1, catalytic subunit; plus strand). Cytogenetic location: 19q13.33.
Variant type: single nucleotide variant.
Coding change: c.2752C>G on transcript NM_002691.4 (MANE Select); coding-DNA position 2752, C replaced by G.
Protein change: p.Leu918Val; replaces leucine 918 with valine.
Molecular consequence: missense variant.
Genome position (GRCh38, 1-based): chr19:50,415,758, C>G. VCF-style: chr19-50415758-C-G. GRCh37 (hg19) VCF-style: chr19-50919015-C-G.
Other names: c.2752C>G, p.Leu918Val (NM_001256849.1); c.2830C>G, p.Leu944Val (NM_001308632.1); short protein forms L944V, L918V.
Identifiers: ClinVar variation 1413569 (VCV001413569.6), dbSNP rs1314840829, ClinGen allele CA406985916.